The following is an entry in ClinVar:

ClinVar aggregate classification (germline): Conflicting classifications of pathogenicity. Review status: criteria provided, conflicting classifications (1 of 4 stars). 3 submissions from 3 submitters: Uncertain significance (1); Likely benign (1). 1 of the submissions does not count toward it. Last evaluated 2026-01-06.

Conditions:
Rubinstein-Taybi syndrome due to EP300 haploinsufficiency. Also called: EP300-Related Rubinstein-Taybi Syndrome; RUBINSTEIN-TAYBI SYNDROME 2. Identifiers: Orphanet 353284, Orphanet 783, MedGen C3150941, MONDO:0013364, OMIM 613684.
EP300-related disorder. Also called: EP300-related condition; EP300-related disorders.

Allele frequency attached by ClinVar (database versions not stated): TOPMed below 0.00001; gnomAD exomes 0.00001 and 0.00002; ExAC 0.00002.
gnomAD v4.1: 9 of 1,614,168 alleles (0.00056%); highest among the groups gnomAD compares: Admixed American, 0.005%; no homozygotes.

Submissions (3):

Labcorp Genetics (formerly Invitae), Labcorp
Classification: Likely benign for Rubinstein-Taybi syndrome due to EP300 haploinsufficiency. Last evaluated: 2026-01-06. Review status: criteria provided, single submitter. Criteria: Invitae Variant Classification Sherloc (09022015). Collection method: clinical testing. Allele origin: germline.

Women's Health and Genetics/Laboratory Corporation of America, LabCorp
Classification: Uncertain significance. Last evaluated: 2020-11-10. Review status: criteria provided, single submitter. Criteria: LabCorp Variant Classification Summary - May 2015. Collection method: clinical testing. Allele origin: germline.
Comment: Variant summary: EP300 c.1094A>G (p.Asn365Ser) results in a conservative amino acid change located in the Zinc finger, TAZ-type domain (IPR000197) of the encoded protein sequence. Four of five in-silico tools predict a benign effect of the variant on protein function. The variant allele was found at a frequency of 2e-05 in 251356 control chromosomes (gnomAD). The available data on variant occurrences in the general population are insufficient to allow any conclusion about variant significance. To our knowledge, no occurrence of c.1094A>G in individuals affected with Rubinstein-Taybi Syndrome 2 and no experimental evidence demonstrating its impact on protein function have been reported. No clinical diagnostic laboratories have submitted clinical-significance assessments for this variant to ClinVar after 2014. Based on the evidence outlined above, the variant was classified as uncertain significance.

PreventionGenetics, part of Exact Sciences
Classification: Uncertain significance for EP300-related condition. Last evaluated: 2024-08-06. Review status: no assertion criteria provided. Collection method: clinical testing. Allele origin: germline. Not counted in ClinVar's aggregate classification.
Comment: The EP300 c.1094A>G variant is predicted to result in the amino acid substitution p.Asn365Ser. To our knowledge, this variant has not been reported in the literature. This variant is reported in 0.0058% of alleles in individuals of Latino descent in gnomAD. At this time, the clinical significance of this variant is uncertain due to the absence of conclusive functional and genetic evidence.

NM_001429.4(EP300):c.1094A>G (p.Asn365Ser)

Gene: EP300 (EP300 lysine acetyltransferase; plus strand). Cytogenetic location: 22q13.2.
Variant type: single nucleotide variant.
Coding change: c.1094A>G on transcript NM_001429.4 (MANE Select); coding-DNA position 1094, A replaced by G.
Protein change: p.Asn365Ser; replaces asparagine 365 with serine.
Molecular consequence: missense variant.
Genome position (GRCh38, 1-based): chr22:41,127,674, A>G. VCF-style: chr22-41127674-A-G. GRCh37 (hg19) VCF-style: chr22-41523678-A-G.
Other names: c.1094A>G, p.Asn365Ser (NM_001362843.2); short protein forms N365S.
Identifiers: ClinVar variation 987872 (VCV000987872.4), dbSNP rs747431211, ClinGen allele CA10252421.